The following is an entry in ClinVar:

NM_001244008.2(KIF1A):c.1328T>C (p.Ile443Thr)

Gene: KIF1A (kinesin family member 1A; minus strand). Cytogenetic location: 2q37.3.
Variant type: single nucleotide variant.
Coding change: c.1328T>C on transcript NM_001244008.2 (MANE Select); coding-DNA position 1328, T replaced by C.
Protein change: p.Ile443Thr; replaces isoleucine 443 with threonine.
Molecular consequence: missense variant.
Genome position (GRCh38, 1-based): chr2:240,770,984, A>G on the plus strand (T>C on the coding strand, the complement: KIF1A is on the minus strand). VCF-style: chr2-240770984-A-G. GRCh37 (hg19) VCF-style: chr2-241710401-A-G.
Other names: c.1328T>C, p.Ile443Thr (NM_001320705.2, NM_001330289.2, NM_001379638.1); c.1403T>C, p.Ile468Thr (NM_001330290.2, NM_001379631.1, NM_001379634.1 and 2 more transcripts); c.1301T>C, p.Ile434Thr (NM_001379632.1, NM_001379633.1, NM_001379636.1 and 11 more transcripts); c.1376T>C, p.Ile459Thr (NM_001379637.1, NM_001379648.1); short protein forms I443T, I434T, I459T, I468T.
Identifiers: ClinVar variation 2950639 (VCV002950639.3), dbSNP rs2537864277, ClinGen allele CA351330423.
Genomic context (GRCh38, chr2:240,770,984, plus strand): 5'-CCCACTCCCAGAGTCTGACACCCTGAAGCCCCAGGTGGTGCCCTCACCTTCAGTCTTTCA[A>G]TGGCCTCCTCGCTGCCCGGGGCAAACAAGATGCGCTCGTGGAGGCTGGACACGGAGGCCG-3'
Protein context (NP_001230937.1, residues 433-453): ILFAPGSEEA[Ile443Thr]ERLKETEKII

ClinVar aggregate classification (germline): Uncertain significance (1 of 4 stars; one submission).

Conditions:
Neuropathy, hereditary sensory, type 2C. Also called: KIF1A-Related HSAN2 (HSAN2C); Hereditary sensory and autonomic neuropathy type IIC. Identifiers: Orphanet 970, MedGen C3280168, MONDO:0013634, OMIM 614213.
Hereditary spastic paraplegia 30. Identifiers: Orphanet 101010, MedGen C5235139, MONDO:0012476.
Intellectual disability, autosomal dominant 9 (NESCAVS). Also called: NESCAV SYNDROME; KIF1A-Related Neurodevelopmental Disorder. Identifiers: Orphanet 662367, MedGen C5393830, MONDO:0013656, OMIM 614255.

Submission:

Labcorp Genetics (formerly Invitae), Labcorp
Classification: Uncertain significance for Hereditary spastic paraplegia 30; Neuropathy, hereditary sensory, type 2C; Intellectual disability, autosomal dominant 9. Last evaluated: 2024-10-21. Review status: criteria provided, single submitter. Criteria: Invitae Variant Classification Sherloc (09022015). Collection method: clinical testing. Allele origin: germline.
Comment: This sequence change replaces isoleucine, which is neutral and non-polar, with threonine, which is neutral and polar, at codon 434 of the KIF1A protein (p.Ile434Thr). This variant is not present in population databases (gnomAD no frequency). This variant has not been reported in the literature in individuals affected with KIF1A-related conditions. Invitae Evidence Modeling of protein sequence and biophysical properties (such as structural, functional, and spatial information, amino acid conservation, physicochemical variation, residue mobility, and thermodynamic stability) indicates that this missense variant is expected to disrupt KIF1A protein function with a positive predictive value of 95%. In summary, the available evidence is currently insufficient to determine the role of this variant in disease. Therefore, it has been classified as a Variant of Uncertain Significance.